The following is an entry in ClinVar:

GRCh38/hg38 2q13(chr2:111993999-111994721)x1

Gene: MERTK (MER proto-oncogene, tyrosine kinase; plus strand). Cytogenetic location: 2q13.
Variant type: copy number loss.
Change: copy number 1 (one copy instead of two) of chr2:111,993,999-111,994,721 (0.7 kb, GRCh38 coordinates, 1-based), cytogenetic band 2q13.
Identifiers: ClinVar variation 2579237 (VCV002579237.1).

ClinVar aggregate classification (germline): Pathogenic (1 of 4 stars; one submission).

Conditions:
Retinitis pigmentosa 38 (RP38). Also called: ROD-CONE DYSTROPHY, CHILDHOOD-ONSET. Identifiers: Orphanet 791, MedGen C3151228, MONDO:0013469, OMIM 613862.

Submission:

Broad Center for Mendelian Genomics, Broad Institute of MIT and Harvard
Classification: Pathogenic for Retinitis pigmentosa 38. Last evaluated: 2023-08-24. Review status: criteria provided, single submitter. Criteria: ACMG/ClinGen CNV Guidelines, 2019. Collection method: research. Allele origin: unknown. Inheritance: Autosomal recessive inheritance. Affected: yes.
Comment: A heterozygous deletion of exon 9 in MERTK (NM_006343.3) was identified by exome sequencing in one individual with retinitis pigmentosa, in the compound heterozygous state, along with another pathogenic variant (Variation ID: 808793) ([GRCh 38] chr2:111993999_111994721x1)(PMID: 34906470). This deletion was validated by ddPCR. Inheritance information is unavailable. The patient phenotype is nonspecific, but is consistent with cases described in the literature and/or published databases with overlapping variants. This exon deletion has also been reported in at least one other unrelated individual with retinitis pigmentosa, who was a compound heterozygote that carried the same reported pathogenic variant in trans, which increases the likelihood that the exon 9 deletion variant is pathogenic (Variation ID: 808793; PMID: 33252167). In vitro functional studies provide some evidence that the exon 9 deletion variant may impact protein function (PMID: 33252167). However, these types of assays may not accurately represent biological function. This intragenic variant is predicted to cause a frameshift, which alters the protein’s amino acid sequence beginning at exon 9 and leads to a premature termination codon. This alteration is then predicted to lead to a truncated or absent protein. Loss of function of MERTK is an established disease mechanism in autosomal recessive MERTK-related retinopathy. In summary, this variant meets criteria to be classified as pathogenic for autosomal recessive retinitis pigmentosa. The ACMG/ClinGen evidence codes and points used in this curation are as follows: 1: 0 points, 2: 0.90 points, 3: 0 points, 4-5: 0.60 points; Total: 1.50 points; Riggs 2020 (PMID: 31690835).

Literature cited by the submitters: PubMed 34906470; PubMed 33252167.